The following is an entry in ClinVar:

ClinVar aggregate classification (germline): Uncertain significance (1 of 4 stars; one submission).

gnomAD v4.1: 5 of 1,614,118 alleles (0.00031%); highest among the groups gnomAD compares: Non-Finnish European, 0.00034%; no homozygotes.

Submission:

GeneDx
Classification: Uncertain significance. Last evaluated: 2025-03-04. Review status: criteria provided, single submitter. Criteria: GeneDx Variant Classification Process June 2021. Collection method: clinical testing. Allele origin: germline. Affected: yes.
Comment: Not observed at significant frequency in large population cohorts (gnomAD); In silico analysis indicates that this missense variant does not alter protein structure/function; Has not been previously published as pathogenic or benign to our knowledge

NM_001281740.3(FHOD3):c.857T>C (p.Val286Ala)

Gene: FHOD3 (formin homology 2 domain containing 3; plus strand). Cytogenetic location: 18q12.2.
Variant type: single nucleotide variant.
Coding change: c.857T>C on transcript NM_001281740.3 (MANE Select); coding-DNA position 857, T replaced by C.
Protein change: p.Val286Ala; replaces valine 286 with alanine.
Molecular consequence: missense variant.
Genome position (GRCh38, 1-based): chr18:36,611,995, T>C. VCF-style: chr18-36611995-T-C. GRCh37 (hg19) VCF-style: chr18-34191958-T-C.
Other names: c.857T>C, p.Val286Ala (NM_001281739.3, NM_025135.5); short protein forms V286A.
Identifiers: ClinVar variation 4082987 (VCV004082987.1).